The following is an entry in ClinVar:

NM_001093.4(ACACB):c.1029C>T (p.Pro343=)

Gene: ACACB (acetyl-CoA carboxylase beta; plus strand). Cytogenetic location: 12q24.11.
Variant type: single nucleotide variant.
Coding change: c.1029C>T on transcript NM_001093.4 (MANE Select); coding-DNA position 1029, C replaced by T.
Protein change: p.Pro343=; no amino-acid change (proline 343 retained).
Molecular consequence: synonymous variant.
Genome position (GRCh38, 1-based): chr12:109,171,908, C>T. VCF-style: chr12-109171908-C-T. GRCh37 (hg19) VCF-style: chr12-109609713-C-T.
Identifiers: ClinVar variation 733375 (VCV000733375.6), dbSNP rs147020981, ClinGen allele CA6773130.

ClinVar aggregate classification (germline): Benign. Review status: criteria provided, multiple submitters, no conflicts (2 of 4 stars). 3 submissions from 3 submitters: Benign (2). 1 of the submissions does not count toward it. Last evaluated 2018-11-09.

Conditions:
ACACB-related disorder. Also called: ACACB-related condition.

Allele frequency attached by ClinVar (database versions not stated): gnomAD exomes 0.00096 and 0.00130; gnomAD 0.00106 and 0.00113; TOPMed 0.00114; ESP Exome Variant Server 0.00123; ExAC 0.00149; 1000 Genomes Project 0.00200; 1000 Genomes Project 30x 0.00250.
gnomAD v4.1: 1,566 of 1,613,588 alleles (0.097%); highest among the groups gnomAD compares: South Asian, 0.54%; 7 homozygotes.

Submissions (3):

Labcorp Genetics (formerly Invitae), Labcorp
Classification: Benign. Last evaluated: 2018-11-09. Review status: criteria provided, single submitter. Criteria: Invitae Variant Classification Sherloc (09022015). Collection method: clinical testing. Allele origin: germline.

Breakthrough Genomics
Classification: Benign. Review status: criteria provided, single submitter. Criteria: ACMG Guidelines, 2015. Collection method: not provided. Allele origin: germline. Inheritance: Unknown mechanism. Affected: yes.

PreventionGenetics, part of Exact Sciences
Classification: Likely benign for ACACB-related condition. Last evaluated: 2019-04-01. Review status: no assertion criteria provided. Collection method: clinical testing. Allele origin: germline. Not counted in ClinVar's aggregate classification.
Comment: This variant is classified as likely benign based on ACMG/AMP sequence variant interpretation guidelines (Richards et al. 2015 PMID: 25741868, with internal and published modifications).